The following is an entry in ClinVar:

NM_000093.5(COL5A1):c.2146G>A (p.Glu716Lys)

Gene: COL5A1 (collagen type V alpha 1 chain; plus strand). Cytogenetic location: 9q34.3.
Variant type: single nucleotide variant.
Coding change: c.2146G>A on transcript NM_000093.5 (MANE Select); coding-DNA position 2146, G replaced by A.
Protein change: p.Glu716Lys; replaces glutamic acid 716 with lysine.
Molecular consequence: missense variant.
Genome position (GRCh38, 1-based): chr9:134,767,012, G>A. VCF-style: chr9-134767012-G-A. GRCh37 (hg19) VCF-style: chr9-137658858-G-A.
Other names: c.2146G>A, p.Glu716Lys (NM_001278074.1); c.2146G>A (NM_000093.3); short protein forms E716K.
Identifiers: ClinVar variation 988842 (VCV000988842.2), dbSNP rs750450695, ClinGen allele CA5319185.

ClinVar aggregate classification (germline): Uncertain significance. Review status: criteria provided, single submitter (1 of 4 stars). 2 submissions from 2 submitters: Uncertain significance (1). 1 of the submissions does not count toward it. Last evaluated 2024-09-17.

Conditions:
Abnormal bleeding. Also called: Bleeding diathesis. Identifiers: MedGen C1458140, HP:0001892.
Thrombocytopenia. Identifiers: MedGen C0040034, MeSH D013921, MONDO:0002049, HP:0001873.

Allele frequency attached by ClinVar (database versions not stated): ExAC 0.00001; gnomAD 0.00001; gnomAD exomes 0.00001; TOPMed 0.00001.
gnomAD v4.1: 11 of 1,613,666 alleles (0.00068%); highest among the groups gnomAD compares: African/African-American, 0.0027%; no homozygotes.

Submissions (2):

GeneDx
Classification: Uncertain significance. Last evaluated: 2024-09-17. Review status: criteria provided, single submitter. Criteria: GeneDx Variant Classification Process June 2021. Collection method: clinical testing. Allele origin: germline. Affected: yes.
Comment: Not observed at significant frequency in large population cohorts (gnomAD); In silico analysis supports that this missense variant has a deleterious effect on protein structure/function; Occurs in the triple helical domain at the X position in the canonical Gly-X-Y repeat; although this variant may have an effect on normal protein folding and function, missense substitution at the X position is not a common mechanism of disease (PMID: 22696272; HGMD); This variant is associated with the following publications: (PMID: 22696272, 32935436)

Birmingham Platelet Group; University of Birmingham
Classification: Uncertain significance for Thrombocytopenia; Abnormal bleeding. Last evaluated: 2020-05-01. Review status: no assertion criteria provided. Collection method: research. Allele origin: germline. Affected: yes. Not counted in ClinVar's aggregate classification.